The following is an entry in ClinVar:

ClinVar aggregate classification (germline): Pathogenic. Review status: criteria provided, multiple submitters, no conflicts (2 of 4 stars). 2 submissions from 2 submitters: Pathogenic (2). Last evaluated 2023-08-07.

Conditions:
Neurofibromatosis, type 1 (NF1). Also called: Peripheral type neurofibromatosis; VON RECKLINGHAUSEN DISEASE; Neurofibromatosis, type I; NEUROFIBROMATOSIS, TYPE I, SOMATIC. Identifiers: Orphanet 636, MedGen C0027831, MONDO:0018975, OMIM 162200. Disease mechanism: loss of function.
Hereditary cancer-predisposing syndrome. Also called: Neoplastic Syndromes, Hereditary; Hereditary neoplastic syndrome; Tumor predisposition; Hereditary Cancer Syndrome. Identifiers: Orphanet 140162, MedGen C0027672, MeSH D009386, MONDO:0015356.
Cardiovascular phenotype. Identifiers: MedGen CN230736.

Submissions (2):

Labcorp Genetics (formerly Invitae), Labcorp
Classification: Pathogenic for Neurofibromatosis, type 1. Last evaluated: 2023-08-07. Review status: criteria provided, single submitter. Criteria: Invitae Variant Classification Sherloc (09022015). Collection method: clinical testing. Allele origin: germline.
Comment: ClinVar contains an entry for this variant (Variation ID: 846756). This variant has not been reported in the literature in individuals affected with NF1-related conditions. This variant is not present in population databases (gnomAD no frequency). This sequence change creates a premature translational stop signal (p.Arg765Hisfs*2) in the NF1 gene. It is expected to result in an absent or disrupted protein product. Loss-of-function variants in NF1 are known to be pathogenic (PMID: 10712197, 23913538). For these reasons, this variant has been classified as Pathogenic.

Ambry Genetics
Classification: Pathogenic for Cardiovascular phenotype; Hereditary cancer-predisposing syndrome. Last evaluated: 2019-05-13. Review status: criteria provided, single submitter. Criteria: Ambry Variant Classification Scheme 2023. Collection method: clinical testing. Allele origin: germline.
Comment: The c.2294_2295delGC pathogenic mutation, located in coding exon 19 of the NF1 gene, results from a deletion of two nucleotides at nucleotide positions 2294 to 2295, causing a translational frameshift with a predicted alternate stop codon (p.R765Hfs*2). This alteration is expected to result in loss of function by premature protein truncation or nonsense-mediated mRNA decay. As such, this alteration is interpreted as a disease-causing mutation.

Literature cited by the submitters: PubMed 10712197 (cited by Labcorp Genetics (formerly Invitae), Labcorp); PubMed 23913538 (cited by Labcorp Genetics (formerly Invitae), Labcorp).

NM_001042492.3(NF1):c.2294_2295del (p.Arg765fs)

Gene: NF1 (neurofibromin 1; plus strand). Cytogenetic location: 17q11.2.
Variant type: Microsatellite.
Coding change: c.2294_2295del on transcript NM_001042492.3 (MANE Select); coding-DNA positions 2294 to 2295, 2 bases deleted (GC; older notation c.2294_2295delGC).
Protein change: p.Arg765fs; shifts the reading frame from arginine 765.
Molecular consequence: frameshift variant.
Genome position (GRCh38, 1-based): chr17:31,227,260-31,227,261, GC deleted; deleting any 2 consecutive bases within chr17:31,227,258-31,227,261 gives the same sequence; the c. name uses the placement nearest the transcript's 3' end. VCF-style (leftmost placement, unchanged base first): chr17-31227257-GGC-G. GRCh37 (hg19) VCF-style: chr17-29554275-GGC-G.
Other names: c.2292_2293GC[1], p.Arg765Hisfs (NM_000267.4); c.2294_2295delGC (NM_000267.3); short protein forms R765fs.
Identifiers: ClinVar variation 846756 (VCV000846756.9), dbSNP rs2067031470, ClinGen allele CA916080594.